The following is an entry in ClinVar:

NM_001042492.3(NF1):c.1105C>T (p.Gln369Ter)

Gene: NF1 (neurofibromin 1; plus strand). Cytogenetic location: 17q11.2.
Variant type: single nucleotide variant.
Coding change: c.1105C>T on transcript NM_001042492.3 (MANE Select); coding-DNA position 1105, C replaced by T.
Protein change: p.Gln369Ter; replaces glutamine 369 with a stop codon.
Molecular consequence: nonsense.
Genome position (GRCh38, 1-based): chr17:31,201,079, C>T. VCF-style: chr17-31201079-C-T. GRCh37 (hg19) VCF-style: chr17-29528097-C-T.
Other names: c.1105C>T, p.Gln369Ter (NM_000267.4, NM_001128147.3); short protein forms Q369*.
Identifiers: ClinVar variation 2412951 (VCV002412951.8), dbSNP rs2066519692, ClinGen allele CA398996875.

ClinVar aggregate classification (germline): Pathogenic. Review status: criteria provided, multiple submitters, no conflicts (2 of 4 stars). 3 submissions from 3 submitters: Pathogenic (3). Last evaluated 2025-09-13.

Conditions:
Neurofibromatosis, type 1 (NF1). Also called: Peripheral type neurofibromatosis; VON RECKLINGHAUSEN DISEASE; NEUROFIBROMATOSIS, TYPE I, SOMATIC; Neurofibromatosis, type I. Identifiers: Orphanet 636, MedGen C0027831, MONDO:0018975, OMIM 162200. Disease mechanism: loss of function.

Submissions (3):

Labcorp Genetics (formerly Invitae), Labcorp
Classification: Pathogenic for Neurofibromatosis, type 1. Last evaluated: 2025-09-13. Review status: criteria provided, single submitter. Criteria: Invitae Variant Classification Sherloc (09022015). Collection method: clinical testing. Allele origin: germline.
Comment: This sequence change creates a premature translational stop signal (p.Gln369*) in the NF1 gene. It is expected to result in an absent or disrupted protein product. Loss-of-function variants in NF1 are known to be pathogenic (PMID: 10712197, 23913538). This variant is not present in population databases (gnomAD no frequency). This premature translational stop signal has been observed in individual(s) with neurofibromatosis type 1 (PMID: 25325900). ClinVar contains an entry for this variant (Variation ID: 2412951). Algorithms developed to predict the effect of sequence changes on RNA splicing suggest that this variant may disrupt the consensus splice site. For these reasons, this variant has been classified as Pathogenic.

GeneDx
Classification: Pathogenic. Last evaluated: 2023-01-24. Review status: criteria provided, single submitter. Criteria: GeneDx Variant Classification Process June 2021. Collection method: clinical testing. Allele origin: germline. Affected: yes.
Comment: Nonsense variant predicted to result in protein truncation or nonsense mediated decay in a gene for which loss-of-function is a known mechanism of disease; Not observed at significant frequency in large population cohorts (gnomAD); This variant is associated with the following publications: (PMID: 30290804, 16941471, 26076063, 25325900)

Juno Genomics, Hangzhou Juno Genomics, Inc
Classification: Pathogenic for Neurofibromatosis, type 1. Review status: criteria provided, single submitter. Criteria: ACMG Guidelines, 2015. Collection method: clinical testing. Allele origin: germline. Affected: yes.
Comment: Absent from controls (or at extremely low frequency if recessive) in Genome Aggregation Database, Exome Sequencing Project, 1000 Genomes Project, or Exome Aggregation Consortium.;Null variant in a gene where loss of function (LOF) is a known mechanism of disease.;The prevalence of the variant in affected individuals is significantly increased compared to the prevalence in controls.;Patient's phenotype or family history is highly specific for a disease with a single genetic etiology.;Assumed de novo, but without confirmation of paternity and maternity.

Literature cited by the submitters: PubMed 10712197 (cited by Labcorp Genetics (formerly Invitae), Labcorp); PubMed 23913538 (cited by Labcorp Genetics (formerly Invitae), Labcorp); PubMed 25325900 (cited by Labcorp Genetics (formerly Invitae), Labcorp).